The following is an entry in ClinVar:

ClinVar aggregate classification (germline): Likely benign. Review status: criteria provided, multiple submitters, no conflicts (2 of 4 stars). 4 submissions from 4 submitters: Likely benign (3). 1 of the submissions does not count toward it. Last evaluated 2025-08-28.

Conditions:
ABCA2-related disorder. Also called: ABCA2-related condition.

Allele frequency attached by ClinVar (database versions not stated): gnomAD exomes 0.00016 and 0.00040; ExAC 0.00055; ESP Exome Variant Server 0.00073; gnomAD 0.00165 and 0.00175; TOPMed 0.00178; 1000 Genomes Project 30x 0.00281; 1000 Genomes Project 0.00319.
gnomAD v4.1: 494 of 1,603,688 alleles (0.031%); highest among the groups gnomAD compares: African/African-American, 0.57%; 3 homozygotes.

Submissions (4):

Ambry Genetics
Classification: Likely benign. Last evaluated: 2025-08-28. Review status: criteria provided, single submitter. Criteria: Ambry Variant Classification Scheme 2023. Collection method: clinical testing. Allele origin: germline.

Blueprint Genetics
Classification: Likely benign. Last evaluated: 2024-11-14. Review status: criteria provided, single submitter. Criteria: ACMG Guidelines, 2015. Collection method: clinical testing. Allele origin: germline.

Labcorp Genetics (formerly Invitae), Labcorp
Classification: Likely benign. Last evaluated: 2018-06-06. Review status: criteria provided, single submitter. Criteria: Invitae Variant Classification Sherloc (09022015). Collection method: clinical testing. Allele origin: germline.

PreventionGenetics, part of Exact Sciences
Classification: Likely benign for ABCA2-related condition. Last evaluated: 2020-02-21. Review status: no assertion criteria provided. Collection method: clinical testing. Allele origin: germline. Not counted in ClinVar's aggregate classification.
Comment: This variant is classified as likely benign based on ACMG/AMP sequence variant interpretation guidelines (Richards et al. 2015 PMID: 25741868, with internal and published modifications).

NM_001606.5(ABCA2):c.6340G>A (p.Val2114Ile)

Gene: ABCA2 (ATP binding cassette subfamily A member 2; minus strand). Cytogenetic location: 9q34.3.
Variant type: single nucleotide variant.
Coding change: c.6340G>A on transcript NM_001606.5 (MANE Select); coding-DNA position 6340, G replaced by A.
Protein change: p.Val2114Ile; replaces valine 2114 with isoleucine.
Molecular consequence: missense variant.
Genome position (GRCh38, 1-based): chr9:137,010,206, C>T on the plus strand (G>A on the coding strand, the complement: ABCA2 is on the minus strand). VCF-style: chr9-137010206-C-T. GRCh37 (hg19) VCF-style: chr9-139904658-C-T.
Other names: c.6430G>A, p.Val2144Ile (NM_212533.3); short protein forms V2114I, V2144I.
Identifiers: ClinVar variation 740490 (VCV000740490.7), dbSNP rs150403388, ClinGen allele CA5353643.